The following is an entry in ClinVar:

NM_194292.3(SASS6):c.369A>G (p.Leu123=)

Gene: SASS6 (SAS-6 centriolar assembly protein; minus strand). Cytogenetic location: 1p21.2.
Variant type: single nucleotide variant.
Coding change: c.369A>G on transcript NM_194292.3 (MANE Select); coding-DNA position 369, A replaced by G.
Protein change: p.Leu123=; no amino-acid change (leucine 123 retained).
Molecular consequence: synonymous variant. On other transcripts: 5 prime UTR variant (1).
Genome position (GRCh38, 1-based): chr1:100,121,492, T>C on the plus strand (A>G on the coding strand, the complement: SASS6 is on the minus strand). VCF-style: chr1-100121492-T-C. GRCh37 (hg19) VCF-style: chr1-100587048-T-C.
Other names: c.-133A>G (NM_001304829.2).
Identifiers: ClinVar variation 718972 (VCV000718972.5), dbSNP rs150747825, ClinGen allele CA968544.
Genomic context (GRCh38, chr1:100,121,492, plus strand): 5'-AGGTAAAAGTTTTAGTGAGAGGTGTGTAAGATGCTTAAAAGGATTTGTCTCTACCACATT[T>C]AAAAATGCAGGTGAGTTATCCAAAATAGCTGCTGGAGAAACTAACTGTAGCAAAAACCTT-3'
Protein context (NP_919268.1, residues 113-133): AAILDNSPAF[Leu123=]NVVETNPFKH

ClinVar aggregate classification (germline): Benign. Review status: criteria provided, multiple submitters, no conflicts (2 of 4 stars). 2 submissions from 2 submitters: Benign (2). Last evaluated 2026-03-12.

Conditions:
SASS6-related disorder. Also called: SASS6-related condition.

Allele frequency attached by ClinVar (database versions not stated): ESP Exome Variant Server 0.00023; gnomAD exomes 0.00026 and 0.00138; gnomAD 0.00054 and 0.00070; TOPMed 0.00063; ExAC 0.00153; 1000 Genomes Project 30x 0.00312; 1000 Genomes Project 0.00319.
gnomAD v4.1: 555 of 1,599,778 alleles (0.035%); highest among the groups gnomAD compares: East Asian, 0.78%; 3 homozygotes.

Submissions (2):

PreventionGenetics, part of Exact Sciences
Classification: Benign for SASS6-related condition. Last evaluated: 2026-03-12. Review status: criteria provided, single submitter. Criteria: ACMG Guidelines, 2015. Collection method: clinical testing. Allele origin: germline.
Comment: This variant is classified as benign based on ACMG/AMP sequence variant interpretation guidelines (Richards et al. 2015 PMID: 25741868, with internal and published modifications).

Labcorp Genetics (formerly Invitae), Labcorp
Classification: Benign. Last evaluated: 2019-12-31. Review status: criteria provided, single submitter. Criteria: Invitae Variant Classification Sherloc (09022015). Collection method: clinical testing. Allele origin: germline.